The following is an entry in ClinVar:

NM_004813.4(PEX16):c.147G>A (p.Leu49=)

Gene: PEX16 (peroxisomal biogenesis factor 16; minus strand). Cytogenetic location: 11p11.2.
Variant type: single nucleotide variant.
Coding change: c.147G>A on transcript NM_004813.4 (MANE Select); coding-DNA position 147, G replaced by A.
Protein change: p.Leu49=; no amino-acid change (leucine 49 retained).
Molecular consequence: synonymous variant.
Genome position (GRCh38, 1-based): chr11:45,917,459, C>T on the plus strand (G>A on the coding strand, the complement: PEX16 is on the minus strand). VCF-style: chr11-45917459-C-T. GRCh37 (hg19) VCF-style: chr11-45939010-C-T.
Other names: c.147G>A, p.Leu49= (NM_057174.3); c.147G>A (NM_004813.2).
Identifiers: ClinVar variation 499935 (VCV000499935.11), dbSNP rs944696367, ClinGen allele CA221592372.

ClinVar aggregate classification (germline): Conflicting classifications of pathogenicity. Review status: criteria provided, conflicting classifications (1 of 4 stars). 3 submissions from 3 submitters: Uncertain significance (2); Likely benign (1). Last evaluated 2025-06-04.

Conditions:
PEX16-related disorder. Also called: PEX16-related condition.
Peroxisome biogenesis disorder. Identifiers: Orphanet 79189, MedGen C1832200, MONDO:0019234. Disease mechanism: loss of function.

Allele frequency attached by ClinVar (database versions not stated): gnomAD exomes 0.00001 and 0.00002; gnomAD 0.00002; TOPMed 0.00002.

Submissions (3):

PreventionGenetics, part of Exact Sciences
Classification: Likely benign for PEX16-related condition. Last evaluated: 2025-06-04. Review status: criteria provided, single submitter. Criteria: ACMG Guidelines, 2015. Collection method: clinical testing. Allele origin: germline.
Comment: This variant is classified as likely benign based on ACMG/AMP sequence variant interpretation guidelines (Richards et al. 2015 PMID: 25741868, with internal and published modifications).

Labcorp Genetics (formerly Invitae), Labcorp
Classification: Uncertain significance for Peroxisome biogenesis disorder. Last evaluated: 2022-08-10. Review status: criteria provided, single submitter. Criteria: Invitae Variant Classification Sherloc (09022015). Collection method: clinical testing. Allele origin: germline.
Comment: This sequence change affects codon 49 of the PEX16 mRNA. It is a 'silent' change, meaning that it does not change the encoded amino acid sequence of the PEX16 protein. It affects a nucleotide within the consensus splice site. This variant is present in population databases (no rsID available, gnomAD 0.002%). This variant has not been reported in the literature in individuals affected with PEX16-related conditions. ClinVar contains an entry for this variant (Variation ID: 499935). Algorithms developed to predict the effect of sequence changes on RNA splicing suggest that this variant is not likely to affect RNA splicing. In summary, the available evidence is currently insufficient to determine the role of this variant in disease. Therefore, it has been classified as a Variant of Uncertain Significance.

Eurofins Ntd Llc (ga)
Classification: Uncertain significance. Last evaluated: 2017-01-13. Review status: criteria provided, single submitter. Criteria: EGL Classification Definitions 2015. Collection method: clinical testing. Allele origin: germline. Observed: 1 variant allele, 1 heterozygote.